The following is an entry in ClinVar:

ClinVar aggregate classification (germline): Pathogenic (1 of 4 stars; one submission).

Conditions:
Primary hyperoxaluria, type I (HP1). Also called: GLYCOLIC ACIDURIA; HEPATIC AGT DEFICIENCY; OXALOSIS I; Primary hyperoxaluria type 1. Identifiers: Orphanet 416, Orphanet 93598, MedGen C0268164, MONDO:0009823, OMIM 259900. Disease mechanism: loss of function.

Submission:

Myriad Genetics, Inc.
Classification: Pathogenic for Primary hyperoxaluria, type I. Last evaluated: 2023-09-27. Review status: criteria provided, single submitter. Criteria: Myriad Autosomal Dominant, Autosomal Recessive and X-Linked Classification Criteria (2023). Collection method: clinical testing. Allele origin: unknown.
Comment: NM_000030.2(AGXT):c.641dupC(P215Sfs*10) is expected to be pathogenic in the context of primary hyperoxaluria type 1. This variant is predicted to lead to an abnormal or absent protein product due to the creation of a premature termination codon in AGXT, a gene where loss-of-function variants are known to be pathogenic. Please note: this variant was assessed in the context of healthy population screening.

NM_000030.3(AGXT):c.641dup (p.Pro215fs)

Gene: AGXT (alanine--glyoxylate aminotransferase; plus strand). Cytogenetic location: 2q37.3.
Variant type: Duplication.
Coding change: c.641dup on transcript NM_000030.3 (MANE Select); coding-DNA position 641, one base duplicated (C; older notation c.641dupC).
Protein change: p.Pro215fs; shifts the reading frame from proline 215.
Molecular consequence: frameshift variant.
Genome position (GRCh38, 1-based): chr2:240,874,023, C duplicated; the last of 4 consecutive C bases (chr2:240,874,020-240,874,023); duplicating any one gives the same sequence. VCF-style (leftmost placement, unchanged base first): chr2-240874019-G-GC. GRCh37 (hg19) VCF-style: chr2-241813436-G-GC.
Other names: short protein forms P215fs.
Identifiers: ClinVar variation 5012122 (VCV005012122.1).